The following is an entry in ClinVar:

ClinVar aggregate classification (germline): Uncertain significance. Review status: criteria provided, multiple submitters, no conflicts (2 of 4 stars). 2 submissions from 2 submitters: Uncertain significance (2). Last evaluated 2025-11-25.

gnomAD v4.1: 18 of 1,614,118 alleles (0.0011%); highest among the groups gnomAD compares: South Asian, 0.0022%; no homozygotes.

Submissions (2):

Ambry Genetics
Classification: Uncertain significance. Last evaluated: 2025-11-25. Review status: criteria provided, single submitter. Criteria: Ambry Variant Classification Scheme 2023. Collection method: clinical testing. Allele origin: germline.

Labcorp Genetics (formerly Invitae), Labcorp
Classification: Uncertain significance. Last evaluated: 2024-07-20. Review status: criteria provided, single submitter. Criteria: Invitae Variant Classification Sherloc (09022015). Collection method: clinical testing. Allele origin: germline.
Comment: This sequence change replaces isoleucine, which is neutral and non-polar, with valine, which is neutral and non-polar, at codon 698 of the DLC1 protein (p.Ile698Val). This variant is present in population databases (rs377081345, gnomAD 0.006%). This variant has not been reported in the literature in individuals affected with DLC1-related conditions. An algorithm developed to predict the effect of missense changes on protein structure and function outputs the following: PolyPhen-2: "Benign". The valine amino acid residue is found in multiple mammalian species, which suggests that this missense change does not adversely affect protein function. In summary, the available evidence is currently insufficient to determine the role of this variant in disease. Therefore, it has been classified as a Variant of Uncertain Significance.

NM_182643.3(DLC1):c.2092A>G (p.Ile698Val)

Gene: DLC1 (DLC1 Rho GTPase activating protein; minus strand). Cytogenetic location: 8p22.
Variant type: single nucleotide variant.
Coding change: c.2092A>G on transcript NM_182643.3 (MANE Select); coding-DNA position 2092, A replaced by G.
Protein change: p.Ile698Val; replaces isoleucine 698 with valine.
Molecular consequence: missense variant.
Genome position (GRCh38, 1-based): chr8:13,100,245, T>C on the plus strand (A>G on the coding strand, the complement: DLC1 is on the minus strand). VCF-style: chr8-13100245-T-C. GRCh37 (hg19) VCF-style: chr8-12957754-T-C.
Other names: c.781A>G, p.Ile261Val (NM_001413139.1, NM_006094.5, NM_001413135.1 and 1 more transcripts); c.916A>G, p.Ile306Val (NM_001413140.1); c.2092A>G (NM_182643.2); c.883A>G, p.Ile295Val (NM_001413129.1, NM_001316668.2); c.874A>G, p.Ile292Val (NM_001413130.1); c.532A>G, p.Ile178Val (NM_001413131.1, NM_001413137.1); c.1018A>G, p.Ile340Val (NM_001413132.1); c.559A>G, p.Ile187Val (NM_001413133.1, NM_001413138.1, NM_001164271.2 and 6 more transcripts); and 1 more; short protein forms I178V, I187V, I261V, I292V, I295V, I306V, I340V, I698V.
Identifiers: ClinVar variation 3614916 (VCV003614916.3).
Genomic context (GRCh38, chr8:13,100,245, plus strand): 5'-CGGAGATCTCCACGCAGTTGAGCTGCTTCAGCTTCTCCTCATCCATCCCCTCTTGCAAGA[T>C]GGGCCCGCTGATGATCAACCCCAGCTTTGAGGGCGCTTTGTGCTTGCTGTGATGGGAGCT-3'
Protein context (NP_872584.2, residues 688-708): SKLGLIISGP[Ile698Val]LQEGMDEEKL